The following is an entry in ClinVar:

NM_000368.5(TSC1):c.1309C>T (p.His437Tyr)

Gene: TSC1 (TSC complex subunit 1; minus strand). Cytogenetic location: 9q34.13.
Variant type: single nucleotide variant.
Coding change: c.1309C>T on transcript NM_000368.5 (MANE Select); coding-DNA position 1309, C replaced by T.
Protein change: p.His437Tyr; replaces histidine 437 with tyrosine.
Molecular consequence: missense variant.
Genome position (GRCh38, 1-based): chr9:132,907,325, G>A on the plus strand (C>T on the coding strand, the complement: TSC1 is on the minus strand). VCF-style: chr9-132907325-G-A. GRCh37 (hg19) VCF-style: chr9-135782712-G-A.
Other names: c.1306C>T, p.His436Tyr (NM_001162426.2); c.1156C>T, p.His386Tyr (NM_001162427.2); c.946C>T, p.His316Tyr (NM_001362177.2); c.1309C>T (NM_000368.4); short protein forms H436Y, H386Y, H316Y, H437Y.
Identifiers: ClinVar variation 1368733 (VCV001368733.8), dbSNP rs985183299, ClinGen allele CA200889990.

ClinVar aggregate classification (germline): Uncertain significance. Review status: criteria provided, multiple submitters, no conflicts (2 of 4 stars). 3 submissions from 3 submitters: Uncertain significance (3). Last evaluated 2024-04-09.

Conditions:
Tuberous sclerosis 1 (TSC1). Identifiers: Orphanet 805, MedGen C1854465, MONDO:0008612, OMIM 191100.
Tuberous sclerosis syndrome (TSC). Also called: Tuberous Sclerosis Complex; Tuberous sclerosis. Identifiers: Orphanet 805, MedGen C0041341, MONDO:0001734.
Hereditary cancer-predisposing syndrome. Also called: Hereditary neoplastic syndrome; Hereditary Cancer Syndrome; Neoplastic Syndromes, Hereditary; Tumor predisposition. Identifiers: Orphanet 140162, MedGen C0027672, MeSH D009386, MONDO:0015356.

Allele frequency attached by ClinVar (database versions not stated): gnomAD exomes below 0.00001.
gnomAD v4.1: 1 of 1,614,126 alleles (0.000062%); highest among the groups gnomAD compares: Non-Finnish European, 0.000085%; no homozygotes.

Submissions (3):

Labcorp Genetics (formerly Invitae), Labcorp
Classification: Uncertain significance for Tuberous sclerosis 1. Last evaluated: 2024-04-09. Review status: criteria provided, single submitter. Criteria: Invitae Variant Classification Sherloc (09022015). Collection method: clinical testing. Allele origin: germline.
Comment: This sequence change replaces histidine, which is basic and polar, with tyrosine, which is neutral and polar, at codon 437 of the TSC1 protein (p.His437Tyr). This variant is not present in population databases (gnomAD no frequency). This variant has not been reported in the literature in individuals affected with TSC1-related conditions. ClinVar contains an entry for this variant (Variation ID: 1368733). Advanced modeling of protein sequence and biophysical properties (such as structural, functional, and spatial information, amino acid conservation, physicochemical variation, residue mobility, and thermodynamic stability) performed at Invitae indicates that this missense variant is not expected to disrupt TSC1 protein function with a negative predictive value of 95%. In summary, the available evidence is currently insufficient to determine the role of this variant in disease. Therefore, it has been classified as a Variant of Uncertain Significance.

All of Us Research Program, National Institutes of Health
Classification: Uncertain significance for Tuberous sclerosis syndrome. Last evaluated: 2023-12-18. Review status: criteria provided, single submitter. Criteria: ACMG Guidelines, 2015. Collection method: clinical testing. Allele origin: germline. Inheritance: Autosomal dominant inheritance. Observed: 1 variant allele, 1 heterozygote.
Comment: This missense variant replaces histidine with tyrosine at codon 437 of the TSC1 protein. Computational prediction suggests that this variant may not impact protein structure and function (internally defined REVEL score threshold <= 0.5, PMID: 27666373). To our knowledge, functional studies have not been reported for this variant. This variant has not been reported in individuals affected with TSC1-related disorders in the literature. This variant has not been identified in the general population by the Genome Aggregation Database (gnomAD). The available evidence is insufficient to determine the role of this variant in disease conclusively. Therefore, this variant is classified as a Variant of Uncertain Significance.

This study involves interpretation of variants in research participants for the purpose of population health screening. Participant phenotype was not available at the time of variant classification. Additional details can be found in publication PMID: 35346344, PMCID: PMC8962531

Ambry Genetics
Classification: Uncertain significance for Hereditary cancer-predisposing syndrome. Last evaluated: 2022-11-10. Review status: criteria provided, single submitter. Criteria: Ambry Variant Classification Scheme 2023. Collection method: clinical testing. Allele origin: germline.
Comment: The p.H437Y variant (also known as c.1309C>T), located in coding exon 11 of the TSC1 gene, results from a C to T substitution at nucleotide position 1309. The histidine at codon 437 is replaced by tyrosine, an amino acid with similar properties. This amino acid position is conserved. In addition, this alteration is predicted to be tolerated by in silico analysis. Since supporting evidence is limited at this time, the clinical significance of this alteration remains unclear.